The following is an entry in ClinVar:

NM_001035.3(RYR2):c.14012G>A (p.Gly4671Asp)

Gene: RYR2 (ryanodine receptor 2; plus strand). Cytogenetic location: 1q43.
Variant type: single nucleotide variant.
Coding change: c.14012G>A on transcript NM_001035.3 (MANE Select); coding-DNA position 14012, G replaced by A.
Protein change: p.Gly4671Asp; replaces glycine 4671 with aspartic acid.
Molecular consequence: missense variant.
Genome position (GRCh38, 1-based): chr1:237,798,092, G>A. VCF-style: chr1-237798092-G-A. GRCh37 (hg19) VCF-style: chr1-237961392-G-A.
Other names: short protein forms G4671D.
Identifiers: ClinVar variation 3633845 (VCV003633845.2).
Genomic context (GRCh38, chr1:237,798,092, plus strand): 5'-CCAAGGTTATGGATAAATATGGAGAGTTCTACGGCCGAGACAGAATCAGTGAATTACTTG[G>A]CATGGACAAGGCAGCTCTGGACTTCAGTGATGCCAGAGAAAAGAAGAAGCCAAAGAAAGA-3'
Protein context (NP_001026.2, residues 4661-4681): YGRDRISELL[Gly4671Asp]MDKAALDFSD

ClinVar aggregate classification (germline): Pathogenic (1 of 4 stars; one submission).

Conditions:
Catecholaminergic polymorphic ventricular tachycardia 1. Also called: VENTRICULAR TACHYCARDIA, CATECHOLAMINERGIC POLYMORPHIC, 1, WITH OR WITHOUT ATRIAL DYSFUNCTION AND/OR DILATED CARDIOMYOPATHY; RYR2-Related Catecholaminergic Polymorphic Ventricular Tachycardia; VENTRICULAR TACHYCARDIA, STRESS-INDUCED POLYMORPHIC 1. Identifiers: Orphanet 3286, MedGen C1631597, MONDO:0011484, OMIM 604772.

Submission:

Labcorp Genetics (formerly Invitae), Labcorp
Classification: Pathogenic for Catecholaminergic polymorphic ventricular tachycardia 1. Last evaluated: 2024-09-25. Review status: criteria provided, single submitter. Criteria: Invitae Variant Classification Sherloc (09022015). Collection method: clinical testing. Allele origin: germline.
Comment: This sequence change replaces glycine, which is neutral and non-polar, with aspartic acid, which is acidic and polar, at codon 4671 of the RYR2 protein (p.Gly4671Asp). This variant is not present in population databases (gnomAD no frequency). This missense change has been observed in individual(s) with catecholaminergic polymorphic ventricular tachycardia (internal data). In at least one individual the variant was observed to be de novo. Invitae Evidence Modeling of protein sequence and biophysical properties (such as structural, functional, and spatial information, amino acid conservation, physicochemical variation, residue mobility, and thermodynamic stability) indicates that this missense variant is expected to disrupt RYR2 protein function with a positive predictive value of 95%. For these reasons, this variant has been classified as Pathogenic.